The following is an entry in ClinVar:

ClinVar aggregate classification (germline): Uncertain significance (1 of 4 stars; one submission).

Conditions:
Hereditary cancer-predisposing syndrome. Also called: Neoplastic Syndromes, Hereditary; Tumor predisposition; Hereditary Cancer Syndrome; Hereditary neoplastic syndrome. Identifiers: Orphanet 140162, MedGen C0027672, MeSH D009386, MONDO:0015356.

gnomAD v4.1: 1 of 1,614,132 alleles (0.000062%); highest among the groups gnomAD compares: Non-Finnish European, 0.000085%; no homozygotes.

Submission:

Ambry Genetics
Classification: Uncertain significance for Hereditary cancer-predisposing syndrome. Last evaluated: 2021-11-12. Review status: criteria provided, single submitter. Criteria: Ambry Variant Classification Scheme 2023. Collection method: clinical testing. Allele origin: germline.
Comment: The p.A539T variant (also known as c.1615G>A), located in coding exon 14 of the MRE11A gene, results from a G to A substitution at nucleotide position 1615. The alanine at codon 539 is replaced by threonine, an amino acid with similar properties. This amino acid position is conserved. In addition, this alteration is predicted to be tolerated by in silico analysis. Since supporting evidence is limited at this time, the clinical significance of this alteration remains unclear.

NM_005591.4(MRE11):c.1615G>A (p.Ala539Thr)

Gene: MRE11 (MRE11 double strand break repair nuclease; minus strand). Cytogenetic location: 11q21.
Variant type: single nucleotide variant.
Coding change: c.1615G>A on transcript NM_005591.4 (MANE Select); coding-DNA position 1615, G replaced by A.
Protein change: p.Ala539Thr; replaces alanine 539 with threonine.
Molecular consequence: missense variant.
Genome position (GRCh38, 1-based): chr11:94,447,387, C>T on the plus strand (G>A on the coding strand, the complement: MRE11 is on the minus strand). VCF-style: chr11-94447387-C-T. GRCh37 (hg19) VCF-style: chr11-94180553-C-T.
Other names: c.1615G>A, p.Ala539Thr (NM_001330347.2, NM_005590.4); short protein forms A539T.
Identifiers: ClinVar variation 1799813 (VCV001799813.2), dbSNP rs2496296790, ClinGen allele CA382368637.